The following is an entry in ClinVar:

NM_033116.6(NEK9):c.1576-8dup

Gene: NEK9 (NIMA related kinase 9; minus strand). Cytogenetic location: 14q24.3.
Variant type: Duplication.
Coding change: c.1576-8dup on transcript NM_033116.6 (MANE Select); 8 bases into the intron before coding-DNA position 1576, one base duplicated (T; older notation c.1576-8dupT).
Molecular consequence: intron variant.
Genome position (GRCh38, 1-based): chr14:75,104,005, A duplicated on the plus strand (T on the coding strand, the reverse complement: NEK9 is on the minus strand); the first of 7 consecutive A bases (chr14:75,104,005-75,104,011); duplicating any one gives the same sequence. VCF-style (leftmost placement, unchanged base first): chr14-75104004-G-GA. GRCh37 (hg19) VCF-style: chr14-75570707-G-GA.
Other names: c.1576-8dupT (NM_033116.5); c.1222-8dup (NM_001329238.2); c.1612-8dup (NM_001329237.2).
Identifiers: ClinVar variation 3905054 (VCV003905054.11).
Genomic context (GRCh38, chr14:75,104,004, plus strand): 5'-CCCATCACAGCCACATTGAACTGCAACAATAATCAAGGCCTTGGGAACATCCACCTGCAA[G>GA]AAAAAAATCAGAAAAAGAAATCCCAAATATATAATTCGTATTAGAAAAAAAGCTCTCAAA-3'

ClinVar aggregate classification (germline): Likely benign. Review status: criteria provided, multiple submitters, no conflicts (2 of 4 stars). 2 submissions from 2 submitters: Likely benign (2). Last evaluated 2025-05-01.

Conditions:
NEK9-related disorder. Also called: NEK9-related condition.

Submissions (2):

CeGaT Center for Human Genetics Tuebingen
Classification: Likely benign. Last evaluated: 2025-05-01. Review status: criteria provided, single submitter. Criteria: CeGaT Center For Human Genetics Tuebingen Variant Classification Criteria Version 2. Collection method: clinical testing. Allele origin: germline. Affected: yes. Observed: 1 variant allele.
Comment: NEK9: BP4, BS2

PreventionGenetics, part of Exact Sciences
Classification: Likely benign for NEK9-related condition. Last evaluated: 2024-10-30. Review status: criteria provided, single submitter. Criteria: ACMG Guidelines, 2015. Collection method: clinical testing. Allele origin: germline.
Comment: This variant is classified as likely benign based on ACMG/AMP sequence variant interpretation guidelines (Richards et al. 2015 PMID: 25741868, with internal and published modifications).